The following is an entry in ClinVar:

NM_001009944.3(PKD1):c.8842_8843del (p.Ser2948fs)

Gene: PKD1 (polycystin 1, transient receptor potential channel interacting; minus strand). Cytogenetic location: 16p13.3.
Variant type: Deletion.
Coding change: c.8842_8843del on transcript NM_001009944.3 (MANE Select); coding-DNA positions 8842 to 8843, 2 bases deleted (TC; older notation c.8842_8843delTC).
Protein change: p.Ser2948fs; shifts the reading frame from serine 2948.
Molecular consequence: frameshift variant.
Genome position (GRCh38, 1-based): chr16:2,102,919-2,102,920, GA deleted on the plus strand (TC on the coding strand, the reverse complement: PKD1 is on the minus strand); deleting any 2 consecutive bases within chr16:2,102,919-2,102,921 gives the same sequence; the c. name uses the placement nearest the transcript's 3' end. VCF-style (leftmost placement, unchanged base first): chr16-2102918-CGA-C. GRCh37 (hg19) VCF-style: chr16-2152919-CGA-C.
Other names: c.8842_8843del, p.Ser2948fs (NM_000296.4); short protein forms S2948fs.
Identifiers: ClinVar variation 3335888 (VCV003335888.2).
Genomic context (GRCh38, chr16:2,102,918, plus strand): 5'-GAGTGACTCTGGGCGGATCCTCCTGCTAGCCGAGCAGTTGTGCTCATTGGGCCGGGGCTC[CGA>C]GTGTAGGTAGACTGCCAGGTAGGGCTCAGGTTCCTCAGACAGGTAGTGGCCTGGGGCAGA-3'

ClinVar aggregate classification (germline): Pathogenic (1 of 4 stars; one submission).

Conditions:
Polycystic kidney disease, adult type (PKD1). Also called: Polycystic Kidney, Autosomal Dominant; POLYCYSTIC KIDNEY DISEASE 1 WITH OR WITHOUT POLYCYSTIC LIVER DISEASE; POLYCYSTIC KIDNEY DISEASE, ADULT, TYPE I; Polycystic Kidney Disease 1, Autosomal Dominant; Polycystic kidney disease 1; Polycystic kidney disease 1, severe. Identifiers: MedGen C3149841, MONDO:0008263, OMIM 173900.

Submission:

Juno Genomics, Hangzhou Juno Genomics, Inc
Classification: Pathogenic for Polycystic kidney disease, adult type. Review status: criteria provided, single submitter. Criteria: ACMG Guidelines, 2015. Collection method: clinical testing. Allele origin: germline. Affected: yes.
Comment: Null variant in a gene where loss of function (LOF) is a known mechanism of disease.;Absent from controls (or at extremely low frequency if recessive) in Genome Aggregation Database, Exome Sequencing Project, 1000 Genomes Project, or Exome Aggregation Consortium.;Patient's phenotype or family history is highly specific for a disease with a single genetic etiology.